The following is an entry in ClinVar:

NM_001244008.2(KIF1A):c.4208G>A (p.Arg1403His)

Gene: KIF1A (kinesin family member 1A; minus strand). Cytogenetic location: 2q37.3.
Variant type: single nucleotide variant.
Coding change: c.4208G>A on transcript NM_001244008.2 (MANE Select); coding-DNA position 4208, G replaced by A.
Protein change: p.Arg1403His; replaces arginine 1403 with histidine.
Molecular consequence: missense variant.
Genome position (GRCh38, 1-based): chr2:240,725,319, C>T on the plus strand (G>A on the coding strand, the complement: KIF1A is on the minus strand). VCF-style: chr2-240725319-C-T. GRCh37 (hg19) VCF-style: chr2-241664736-C-T.
Other names: c.3932G>A, p.Arg1311His (NM_001320705.2, NM_001379649.1); c.3959G>A, p.Arg1320His (NM_001330289.2); c.4007G>A, p.Arg1336His (NM_001330290.2, NM_001379648.1); c.4283G>A, p.Arg1428His (NM_001379631.1); c.4184G>A, p.Arg1395His (NM_001379632.1); c.4181G>A, p.Arg1394His (NM_001379633.1, NM_001379645.1); c.4034G>A, p.Arg1345His (NM_001379634.1); c.4031G>A, p.Arg1344His (NM_001379635.1, NM_001379646.1); and 7 more; short protein forms R1302H, R1403H, R1320H, R1336H, R1311H, R1301H, R1310H, R1319H.
Identifiers: ClinVar variation 444559 (VCV000444559.14), dbSNP rs537708830, ClinGen allele CA2207465.

ClinVar aggregate classification (germline): Conflicting classifications of pathogenicity. Review status: criteria provided, conflicting classifications (1 of 4 stars). 4 submissions from 4 submitters: Uncertain significance (3); Likely benign (1). Last evaluated 2025-10-26.

Conditions:
Intellectual disability, autosomal dominant 9 (NESCAVS). Also called: NESCAV SYNDROME; KIF1A-Related Neurodevelopmental Disorder. Identifiers: Orphanet 662367, MedGen C5393830, MONDO:0013656, OMIM 614255.
Neuropathy, hereditary sensory, type 2C. Also called: KIF1A-Related HSAN2 (HSAN2C); Hereditary sensory and autonomic neuropathy type IIC. Identifiers: Orphanet 970, MedGen C3280168, MONDO:0013634, OMIM 614213.
Hereditary spastic paraplegia 30. Identifiers: Orphanet 101010, MedGen C5235139, MONDO:0012476.

Allele frequency attached by ClinVar (database versions not stated): TOPMed 0.00002; 1000 Genomes Project 0.00020; 1000 Genomes Project 30x 0.00031.
gnomAD v4.1: 52 of 1,610,618 alleles (0.0032%); highest among the groups gnomAD compares: African/African-American, 0.0067%; no homozygotes.

Submissions (4):

Labcorp Genetics (formerly Invitae), Labcorp
Classification: Likely benign for Hereditary spastic paraplegia 30; Neuropathy, hereditary sensory, type 2C; Intellectual disability, autosomal dominant 9. Last evaluated: 2025-10-26. Review status: criteria provided, single submitter. Criteria: Invitae Variant Classification Sherloc (09022015). Collection method: clinical testing. Allele origin: germline.

Blueprint Genetics
Classification: Uncertain significance. Last evaluated: 2023-02-10. Review status: criteria provided, single submitter. Criteria: ACMG Guidelines, 2015. Collection method: clinical testing. Allele origin: germline.

GeneDx
Classification: Uncertain significance. Last evaluated: 2022-03-28. Review status: criteria provided, single submitter. Criteria: GeneDx Variant Classification Process June 2021. Collection method: clinical testing. Allele origin: germline. Affected: yes.
Comment: In silico analysis supports that this missense variant has a deleterious effect on protein structure/function; Has not been previously published as pathogenic or benign to our knowledge

CeGaT Center for Human Genetics Tuebingen
Classification: Uncertain significance. Last evaluated: 2017-02-28. Review status: criteria provided, single submitter. Criteria: Praxis fuer Humangenetik Tuebingen - Variant Classification Criteria. Collection method: clinical testing. Allele origin: germline. Affected: yes. Observed: 2 variant alleles.